The following is an entry in ClinVar:

ClinVar aggregate classification (germline): Uncertain significance (1 of 4 stars; one submission).

Allele frequency attached by ClinVar (database versions not stated): gnomAD exomes below 0.00001.
gnomAD v4.1: 1 of 1,614,146 alleles (0.000062%); highest among the groups gnomAD compares: Non-Finnish European, 0.000085%; no homozygotes.

Submission:

Labcorp Genetics (formerly Invitae), Labcorp
Classification: Uncertain significance. Last evaluated: 2022-10-07. Review status: criteria provided, single submitter. Criteria: Invitae Variant Classification Sherloc (09022015). Collection method: clinical testing. Allele origin: germline.
Comment: This variant has not been reported in the literature in individuals affected with LRP6-related conditions. In summary, the available evidence is currently insufficient to determine the role of this variant in disease. Therefore, it has been classified as a Variant of Uncertain Significance. Advanced modeling of protein sequence and biophysical properties (such as structural, functional, and spatial information, amino acid conservation, physicochemical variation, residue mobility, and thermodynamic stability) performed at Invitae indicates that this missense variant is not expected to disrupt LRP6 protein function. This variant is not present in population databases (gnomAD no frequency). This sequence change replaces valine, which is neutral and non-polar, with methionine, which is neutral and non-polar, at codon 948 of the LRP6 protein (p.Val948Met).

NM_002336.3(LRP6):c.2842G>A (p.Val948Met)

Gene: LRP6 (LDL receptor related protein 6; minus strand). Cytogenetic location: 12p13.2.
Variant type: single nucleotide variant.
Coding change: c.2842G>A on transcript NM_002336.3 (MANE Select); coding-DNA position 2842, G replaced by A.
Protein change: p.Val948Met; replaces valine 948 with methionine.
Molecular consequence: missense variant.
Genome position (GRCh38, 1-based): chr12:12,150,988, C>T on the plus strand (G>A on the coding strand, the complement: LRP6 is on the minus strand). VCF-style: chr12-12150988-C-T. GRCh37 (hg19) VCF-style: chr12-12303922-C-T.
Other names: short protein forms V948M.
Identifiers: ClinVar variation 1720888 (VCV001720888.5), dbSNP rs2498770522, ClinGen allele CA383942492.